The following is an entry in ClinVar:

NM_001267550.2(TTN):c.42255G>A (p.Trp14085Ter)

Gene: TTN (titin; minus strand). Cytogenetic location: 2q31.2.
Variant type: single nucleotide variant.
Coding change: c.42255G>A on transcript NM_001267550.2 (MANE Select); coding-DNA position 42255, G replaced by A.
Protein change: p.Trp14085Ter; replaces tryptophan 14085 with a stop codon.
Molecular consequence: nonsense.
Genome position (GRCh38, 1-based): chr2:178,634,526, C>T on the plus strand (G>A on the coding strand, the complement: TTN is on the minus strand). VCF-style: chr2-178634526-C-T. GRCh37 (hg19) VCF-style: chr2-179499253-C-T.
Other names: c.37332G>A, p.Trp12444Ter (NM_001256850.1); c.15060G>A, p.Trp5020Ter (NM_003319.4); c.34551G>A, p.Trp11517Ter (NM_133378.4); c.15435G>A, p.Trp5145Ter (NM_133432.3); c.15636G>A, p.Trp5212Ter (NM_133437.4); short protein forms W11517*, W14085*, W5145*, W5212*, W12444*, W5020*.
Identifiers: ClinVar variation 4787038 (VCV004787038.1).

ClinVar aggregate classification (germline): Likely pathogenic (1 of 4 stars; one submission).

Conditions:
Autosomal recessive limb-girdle muscular dystrophy type 2J (LGMDR10). Also called: Limb-girdle muscular dystrophy, type 2J; MUSCULAR DYSTROPHY, LIMB-GIRDLE, AUTOSOMAL RECESSIVE 10. Identifiers: Orphanet 140922, MedGen C1837342, MONDO:0012127, OMIM 608807.
Dilated cardiomyopathy 1G (CMD1G). Identifiers: Orphanet 154, MedGen C1858763, MONDO:0011400, OMIM 604145.

Submission:

Labcorp Genetics (formerly Invitae), Labcorp
Classification: Likely pathogenic for Dilated cardiomyopathy 1G; Autosomal recessive limb-girdle muscular dystrophy type 2J. Last evaluated: 2025-12-20. Review status: criteria provided, single submitter. Criteria: Invitae Variant Classification Sherloc (09022015). Collection method: clinical testing. Allele origin: germline.
Comment: This sequence change creates a premature translational stop signal (p.Trp14085*) in the TTN gene. While this is not anticipated to result in nonsense mediated decay, it is expected to create a truncated TTN protein. This variant is not present in population databases (gnomAD no frequency). This variant has not been reported in the literature in individuals affected with TTN-related conditions. This variant is located in the I band of TTN (PMID: 25589632). Truncating variants in this region have been reported in individuals affected with autosomal recessive centronuclear myopathy (PMID: 23975875, internal data). Truncating variants in this region have also been identified in individuals affected with autosomal dominant dilated cardiomyopathy and/or cardio-related conditions (PMID: 27869827, 32964742, internal data). In summary, the currently available evidence indicates that the variant is pathogenic, but additional data are needed to prove that conclusively. Therefore, this variant has been classified as Likely Pathogenic.

Literature cited by the submitters: PubMed 25589632; PubMed 23975875; PubMed 27869827; PubMed 32964742.